The following is an entry in ClinVar:

NM_002439.5(MSH3):c.2777A>C (p.Glu926Ala)

Gene: MSH3 (mutS homolog 3; plus strand). Cytogenetic location: 5q14.1.
Variant type: single nucleotide variant.
Coding change: c.2777A>C on transcript NM_002439.5 (MANE Select); coding-DNA position 2777, A replaced by C.
Protein change: p.Glu926Ala; replaces glutamic acid 926 with alanine.
Molecular consequence: missense variant.
Genome position (GRCh38, 1-based): chr5:80,813,705, A>C. VCF-style: chr5-80813705-A-C. GRCh37 (hg19) VCF-style: chr5-80109524-A-C.
Other names: c.2777A>C (NM_002439.3); short protein forms E926A.
Identifiers: ClinVar variation 942487 (VCV000942487.10), dbSNP rs1580066566, ClinGen allele CA360274053.

ClinVar aggregate classification (germline): Uncertain significance. Review status: criteria provided, multiple submitters, no conflicts (2 of 4 stars). 2 submissions from 2 submitters: Uncertain significance (2). Last evaluated 2024-10-25.

Conditions:
Hereditary cancer-predisposing syndrome. Also called: Hereditary neoplastic syndrome; Neoplastic Syndromes, Hereditary; Tumor predisposition; Hereditary Cancer Syndrome. Identifiers: Orphanet 140162, MedGen C0027672, MeSH D009386, MONDO:0015356.

Submissions (2):

Ambry Genetics
Classification: Uncertain significance for Hereditary cancer-predisposing syndrome. Last evaluated: 2024-10-25. Review status: criteria provided, single submitter. Criteria: Ambry Variant Classification Scheme 2023. Collection method: clinical testing. Allele origin: germline.
Comment: The p.E926A variant (also known as c.2777A>C), located in coding exon 20 of the MSH3 gene, results from an A to C substitution at nucleotide position 2777. The glutamic acid at codon 926 is replaced by alanine, an amino acid with dissimilar properties. This amino acid position is conserved. In addition, this alteration is predicted to be tolerated by in silico analysis. Based on the available evidence, the clinical significance of this variant remains unclear.

Labcorp Genetics (formerly Invitae), Labcorp
Classification: Uncertain significance. Last evaluated: 2022-10-10. Review status: criteria provided, single submitter. Criteria: Invitae Variant Classification Sherloc (09022015). Collection method: clinical testing. Allele origin: germline.
Comment: Algorithms developed to predict the effect of missense changes on protein structure and function (SIFT, PolyPhen-2, Align-GVGD) all suggest that this variant is likely to be tolerated. ClinVar contains an entry for this variant (Variation ID: 942487). This variant has not been reported in the literature in individuals affected with MSH3-related conditions. This variant is not present in population databases (gnomAD no frequency). This sequence change replaces glutamic acid, which is acidic and polar, with alanine, which is neutral and non-polar, at codon 926 of the MSH3 protein (p.Glu926Ala). In summary, the available evidence is currently insufficient to determine the role of this variant in disease. Therefore, it has been classified as a Variant of Uncertain Significance.